The following is an entry in ClinVar:

NM_021738.3(SVIL):c.820C>T (p.Arg274Ter)

Gene: SVIL (supervillin; minus strand). Cytogenetic location: 10p11.23.
Variant type: single nucleotide variant.
Coding change: c.820C>T on transcript NM_021738.3 (MANE Select); coding-DNA position 820, C replaced by T.
Protein change: p.Arg274Ter; replaces arginine 274 with a stop codon.
Molecular consequence: nonsense.
Genome position (GRCh38, 1-based): chr10:29,550,604, G>A on the plus strand (C>T on the coding strand, the complement: SVIL is on the minus strand). VCF-style: chr10-29550604-G-A. GRCh37 (hg19) VCF-style: chr10-29839533-G-A.
Other names: c.820C>T, p.Arg274Ter (NM_001323599.2, NM_001323600.1, NM_003174.3); short protein forms R274*.
Identifiers: ClinVar variation 4845670 (VCV004845670.1).

ClinVar aggregate classification (germline): Likely pathogenic (1 of 4 stars; one submission).

Conditions:
Myofibrillar myopathy 10. Identifiers: MedGen C5436656, MONDO:0033620, OMIM 619040.

Submission:

First Genomix Gene Laboratory, Genetic Diagnostics Department
Classification: Likely pathogenic for Myofibrillar myopathy 10. Last evaluated: 2025-01-11. Review status: criteria provided, single submitter. Criteria: ACMG Guidelines, 2015. Collection method: clinical testing. Allele origin: germline. Inheritance: Autosomal recessive inheritance. Affected: no. Observed: 1 variant allele.